The following is an entry in ClinVar:

NM_001018113.3(FANCB):c.959C>A (p.Ala320Asp)

Gene: FANCB (FA complementation group B; minus strand). Cytogenetic location: Xp22.2.
Variant type: single nucleotide variant.
Coding change: c.959C>A on transcript NM_001018113.3 (MANE Select); coding-DNA position 959, C replaced by A.
Protein change: p.Ala320Asp; replaces alanine 320 with aspartic acid.
Molecular consequence: missense variant.
Genome position (GRCh38, 1-based): chrX:14,859,327, G>T on the plus strand (C>A on the coding strand, the complement: FANCB is on the minus strand). VCF-style: chrX-14859327-G-T. GRCh37 (hg19) VCF-style: chrX-14877449-G-T.
Other names: c.959C>A, p.Ala320Asp (NM_001324162.2, NM_152633.4); short protein forms A320D.
Identifiers: ClinVar variation 1377821 (VCV001377821.6), dbSNP rs1246382467, ClinGen allele CA412443310.
Genomic context (GRCh38, chrX:14,859,327, plus strand): 5'-TGTTCAGTTCCACTTCCAATAAAGTCATCTATCAGTACTAAGCTAAGTTTTTCCCATTTA[G>T]CAGCAACCTAAAAGAAAGGGAGCATTATAGGAGGAGTAGACAAGAAAAAATCGAATGTGA-3'
Protein context (NP_001018123.1, residues 310-330): AVWKESFQVA[Ala320Asp]KWEKLSLVLI

ClinVar aggregate classification (germline): Uncertain significance (1 of 4 stars; one submission).

Conditions:
Fanconi anemia (FA). Also called: Fanconi's anemia. Identifiers: Orphanet 84, MedGen C0015625, MeSH D005199, MONDO:0019391.

Allele frequency attached by ClinVar (database versions not stated): gnomAD exomes 0.00001.
gnomAD v4.1: 3 of 1,189,137 alleles (0.00025%); highest among the groups gnomAD compares: East Asian, 0.006%; no homozygotes.

Submission:

Labcorp Genetics (formerly Invitae), Labcorp
Classification: Uncertain significance for Fanconi anemia. Last evaluated: 2024-10-23. Review status: criteria provided, single submitter. Criteria: Invitae Variant Classification Sherloc (09022015). Collection method: clinical testing. Allele origin: germline.
Comment: This sequence change replaces alanine, which is neutral and non-polar, with aspartic acid, which is acidic and polar, at codon 320 of the FANCB protein (p.Ala320Asp). This variant is present in population databases (no rsID available, gnomAD 0.02%). This variant has not been reported in the literature in individuals affected with FANCB-related conditions. ClinVar contains an entry for this variant (Variation ID: 1377821). Invitae Evidence Modeling of protein sequence and biophysical properties (such as structural, functional, and spatial information, amino acid conservation, physicochemical variation, residue mobility, and thermodynamic stability) has been performed for this missense variant. However, the output from this modeling did not meet the statistical confidence thresholds required to predict the impact of this variant on FANCB protein function. In summary, the available evidence is currently insufficient to determine the role of this variant in disease. Therefore, it has been classified as a Variant of Uncertain Significance.